The following is an entry in ClinVar:

NM_005732.4(RAD50):c.2429C>T (p.Ala810Val)

Gene: RAD50 (RAD50 double strand break repair protein; plus strand). Cytogenetic location: 5q31.1.
Variant type: single nucleotide variant.
Coding change: c.2429C>T on transcript NM_005732.4 (MANE Select); coding-DNA position 2429, C replaced by T.
Protein change: p.Ala810Val; replaces alanine 810 with valine.
Molecular consequence: missense variant.
Genome position (GRCh38, 1-based): chr5:132,603,951, C>T. VCF-style: chr5-132603951-C-T. GRCh37 (hg19) VCF-style: chr5-131939643-C-T.
Other names: short protein forms A810V.
Identifiers: ClinVar variation 2305125 (VCV002305125.6), dbSNP rs751171372, ClinGen allele CA3405394.
Genomic context (GRCh38, chr5:132,603,951, plus strand): 5'-AAAGGAAATCATTTTGTTATATTCTTAAGATGGAACTTAAAGATGTTGAAAGAAAAATTG[C>T]ACAACAAGCAGCTAAGCTACAAGGAATAGACTTAGATCGAACTGTCCAACAAGTCAACCA-3'
Protein context (NP_005723.2, residues 800-820): MELKDVERKI[Ala810Val]QQAAKLQGID

ClinVar aggregate classification (germline): Uncertain significance. Review status: criteria provided, multiple submitters, no conflicts (2 of 4 stars). 2 submissions from 2 submitters: Uncertain significance (2). Last evaluated 2024-11-16.

Conditions:
Hereditary cancer-predisposing syndrome. Also called: Hereditary Cancer Syndrome; Hereditary neoplastic syndrome; Neoplastic Syndromes, Hereditary; Tumor predisposition. Identifiers: Orphanet 140162, MedGen C0027672, MeSH D009386, MONDO:0015356.

Allele frequency attached by ClinVar (database versions not stated): ExAC 0.00001.
gnomAD v4.1: 2 of 1,610,034 alleles (0.00012%); highest among the groups gnomAD compares: Admixed American, 0.0033%; no homozygotes.

Submissions (2):

Ambry Genetics
Classification: Uncertain significance for Hereditary cancer-predisposing syndrome. Last evaluated: 2024-11-16. Review status: criteria provided, single submitter. Criteria: Ambry Variant Classification Scheme 2023. Collection method: clinical testing. Allele origin: germline.
Comment: The p.A810V variant (also known as c.2429C>T), located in coding exon 15 of the RAD50 gene, results from a C to T substitution at nucleotide position 2429. The alanine at codon 810 is replaced by valine, an amino acid with similar properties. This amino acid position is conserved. In addition, the in silico prediction for this alteration is inconclusive. Based on the available evidence, the clinical significance of this variant remains unclear.

Labcorp Genetics (formerly Invitae), Labcorp
Classification: Uncertain significance for Hereditary cancer-predisposing syndrome. Last evaluated: 2022-12-26. Review status: criteria provided, single submitter. Criteria: Invitae Variant Classification Sherloc (09022015). Collection method: clinical testing. Allele origin: germline.
Comment: This variant has not been reported in the literature in individuals affected with RAD50-related conditions. This variant is present in population databases (rs751171372, gnomAD 0.006%). This sequence change replaces alanine, which is neutral and non-polar, with valine, which is neutral and non-polar, at codon 810 of the RAD50 protein (p.Ala810Val). Advanced modeling of protein sequence and biophysical properties (such as structural, functional, and spatial information, amino acid conservation, physicochemical variation, residue mobility, and thermodynamic stability) has been performed at Invitae for this missense variant, however the output from this modeling did not meet the statistical confidence thresholds required to predict the impact of this variant on RAD50 protein function. In summary, the available evidence is currently insufficient to determine the role of this variant in disease. Therefore, it has been classified as a Variant of Uncertain Significance.